The following is an entry in ClinVar:

ClinVar aggregate classification (germline): Uncertain significance (1 of 4 stars; one submission).

Conditions:
Methylcobalamin deficiency type cblG (HMAG). Also called: HOMOCYSTINURIA-MEGALOBLASTIC ANEMIA, cblG COMPLEMENTATION TYPE; Functional methionine synthase deficiency type cblG; HOMOCYSTINURIA-MEGALOBLASTIC ANEMIA, cblG TYPE; HOMOCYSTINURIA-MEGALOBLASTIC ANEMIA DUE TO DEFECT IN COBALAMIN METABOLISM, cblG COMPLEMENTATION TYPE. Identifiers: Orphanet 2170, Orphanet 622, MedGen C1855128, MONDO:0009609, OMIM 250940.

Allele frequency attached by ClinVar (database versions not stated): gnomAD exomes below 0.00001; gnomAD 0.00001; TOPMed 0.00001.
gnomAD v4.1: 4 of 1,606,806 alleles (0.00025%); highest among the groups gnomAD compares: Non-Finnish European, 0.00026%; no homozygotes.

Submission:

Labcorp Genetics (formerly Invitae), Labcorp
Classification: Uncertain significance for Methylcobalamin deficiency type cblG. Last evaluated: 2021-07-02. Review status: criteria provided, single submitter. Criteria: Invitae Variant Classification Sherloc (09022015). Collection method: clinical testing. Allele origin: germline.
Comment: In summary, the available evidence is currently insufficient to determine the role of this variant in disease. Therefore, it has been classified as a Variant of Uncertain Significance. Algorithms developed to predict the effect of missense changes on protein structure and function (SIFT, PolyPhen-2, Align-GVGD) all suggest that this variant is likely to be disruptive. This variant has not been reported in the literature in individuals affected with MTR-related conditions. This variant is not present in population databases (ExAC no frequency). This sequence change replaces aspartic acid with valine at codon 915 of the MTR protein (p.Asp915Val). The aspartic acid residue is moderately conserved and there is a large physicochemical difference between aspartic acid and valine.

NM_000254.3(MTR):c.2744A>T (p.Asp915Val)

Gene: MTR (5-methyltetrahydrofolate-homocysteine methyltransferase; plus strand). Cytogenetic location: 1q43.
Variant type: single nucleotide variant.
Coding change: c.2744A>T on transcript NM_000254.3 (MANE Select); coding-DNA position 2744, A replaced by T.
Protein change: p.Asp915Val; replaces aspartic acid 915 with valine.
Molecular consequence: missense variant.
Genome position (GRCh38, 1-based): chr1:236,885,188, A>T. VCF-style: chr1-236885188-A-T. GRCh37 (hg19) VCF-style: chr1-237048488-A-T.
Other names: c.2591A>T, p.Asp864Val (NM_001291939.1); c.1523A>T, p.Asp508Val (NM_001291940.2); short protein forms D508V, D864V, D915V.
Identifiers: ClinVar variation 1436505 (VCV001436505.8), dbSNP rs977928036, ClinGen allele CA39764332.
Genomic context (GRCh38, chr1:236,885,188, plus strand): 5'-AGCTGTTAGATGAAAATCTAAAGGATGAATACTTTGAGGAAATCATGGAAGAATATGAAG[A>T]TATTAGACAGGACCATTATGAGTCTCTCAAGGTAAGTGGTAGAAACAGATTTTTGCTTGT-3'
Protein context (NP_000245.2, residues 905-925): YFEEIMEEYE[Asp915Val]IRQDHYESLK